The following is an entry in ClinVar:

ClinVar aggregate classification (germline): Pathogenic (1 of 4 stars; one submission).

Submission:

Labcorp Genetics (formerly Invitae), Labcorp
Classification: Pathogenic. Last evaluated: 2021-12-23. Review status: criteria provided, single submitter. Criteria: Invitae Variant Classification Sherloc (09022015). Collection method: clinical testing. Allele origin: germline.
Comment: This sequence change creates a premature translational stop signal (p.Phe1661Serfs*23) in the ADGRV1 gene. It is expected to result in an absent or disrupted protein product. Loss-of-function variants in ADGRV1 are known to be pathogenic (PMID: 19357117, 22135276, 22147658, 26226137, 26667666, 30029497, 32467589). This variant is not present in population databases (gnomAD no frequency). This variant has not been reported in the literature in individuals affected with ADGRV1-related conditions. For these reasons, this variant has been classified as Pathogenic.

Literature cited by the submitters: PubMed 19357117; PubMed 22135276; PubMed 22147658; PubMed 26226137; PubMed 26667666; PubMed 30029497; PubMed 32467589.

NM_032119.4(ADGRV1):c.4982_4998delinsCCG (p.Phe1661fs)

Gene: ADGRV1 (adhesion G protein-coupled receptor V1; plus strand). Cytogenetic location: 5q14.3.
Variant type: Indel.
Coding change: c.4982_4998delinsCCG on transcript NM_032119.4 (MANE Select); coding-DNA positions 4982 to 4998, TCCGTGTGACATTGGTT replaced by CCG.
Protein change: p.Phe1661fs; shifts the reading frame from phenylalanine 1661.
Molecular consequence: frameshift variant. On other transcripts: non-coding transcript variant (1).
Genome position (GRCh38, 1-based): chr5:90,674,106-90,674,122, TCCGTGTGACATTGGTT replaced by CCG. VCF-style: chr5-90674106-TCCGTGTGACATTGGTT-CCG. GRCh37 (hg19) VCF-style: chr5-89969923-TCCGTGTGACATTGGTT-CCG.
Other names: short protein forms F1661fs.
Identifiers: ClinVar variation 2054007 (VCV002054007.4), dbSNP rs2530720286, ClinGen allele CA2580073735.